The following is an entry in ClinVar:

ClinVar aggregate classification (germline): Uncertain significance (1 of 4 stars; one submission).

gnomAD v4.1: 2 of 1,614,120 alleles (0.00012%); highest among the groups gnomAD compares: Non-Finnish European, 0.00017%; no homozygotes.

Submission:

Ambry Genetics
Classification: Uncertain significance. Last evaluated: 2025-12-01. Review status: criteria provided, single submitter. Criteria: Ambry Variant Classification Scheme 2023. Collection method: clinical testing. Allele origin: germline.
Comment: The p.L1300S variant (also known as c.3899T>C), located in coding exon 30 of the A2ML1 gene, results from a T to C substitution at nucleotide position 3899. The leucine at codon 1300 is replaced by serine, an amino acid with dissimilar properties. This amino acid position is conserved. In addition, the in silico prediction for this alteration is inconclusive. Based on the available evidence, the clinical significance of this variant remains unclear.

NM_144670.6(A2ML1):c.3899T>C (p.Leu1300Ser)

Gene: A2ML1 (alpha-2-macroglobulin like 1; plus strand). Cytogenetic location: 12p13.31.
Variant type: single nucleotide variant.
Coding change: c.3899T>C on transcript NM_144670.6 (MANE Select); coding-DNA position 3899, T replaced by C.
Protein change: p.Leu1300Ser; replaces leucine 1300 with serine.
Molecular consequence: missense variant.
Genome position (GRCh38, 1-based): chr12:8,868,023, T>C. VCF-style: chr12-8868023-T-C. GRCh37 (hg19) VCF-style: chr12-9020619-T-C.
Other names: c.2426T>C, p.Leu809Ser (NM_001282424.3); short protein forms L1300S, L809S.
Identifiers: ClinVar variation 4635644 (VCV004635644.1).